The following is an entry in ClinVar:

NM_000260.4(MYO7A):c.3503+2T>C

Gene: MYO7A (myosin VIIA; plus strand). Cytogenetic location: 11q13.5.
Variant type: single nucleotide variant.
Coding change: c.3503+2T>C on transcript NM_000260.4 (MANE Select); the canonical splice donor site of the intron after coding-DNA position 3503, T replaced by C.
Molecular consequence: splice donor variant.
Genome position (GRCh38, 1-based): chr11:77,184,717, T>C. VCF-style: chr11-77184717-T-C. GRCh37 (hg19) VCF-style: chr11-76895762-T-C.
Other names: c.3470+2T>C (NM_001369365.1); c.3503+2T>C (NM_001127180.2).
Identifiers: ClinVar variation 2864784 (VCV002864784.4), dbSNP rs2497276257, ClinGen allele CA381946320.

ClinVar aggregate classification (germline): Likely pathogenic. Review status: criteria provided, multiple submitters, no conflicts (2 of 4 stars). 2 submissions from 2 submitters: Likely pathogenic (2). Last evaluated 2024-06-13.

Conditions:
Usher syndrome type 1 (USH1). Also called: RETINITIS PIGMENTOSA AND CONGENITAL DEAFNESS. Identifiers: Orphanet 231169, Orphanet 886, MedGen C1568247, MONDO:0010168, OMIM 276900.
Autosomal recessive nonsyndromic hearing loss 2. Also called: NEUROSENSORY NONSYNDROMIC RECESSIVE DEAFNESS 2; DEAFNESS, AUTOSOMAL RECESSIVE 2. Identifiers: Orphanet 90636, MedGen C1838701, MONDO:0010807, OMIM 600060.
Autosomal dominant nonsyndromic hearing loss 11. Identifiers: Orphanet 90635, MedGen C1832475, MONDO:0011032, OMIM 601317.

Submissions (2):

Fulgent Genetics
Classification: Likely pathogenic for Usher syndrome type 1; Autosomal recessive nonsyndromic hearing loss 2; Autosomal dominant nonsyndromic hearing loss 11. Last evaluated: 2024-06-13. Review status: criteria provided, single submitter. Criteria: ACMG Guidelines, 2015. Collection method: clinical testing. Allele origin: germline.

Labcorp Genetics (formerly Invitae), Labcorp
Classification: Likely pathogenic. Last evaluated: 2023-05-16. Review status: criteria provided, single submitter. Criteria: Invitae Variant Classification Sherloc (09022015). Collection method: clinical testing. Allele origin: germline.
Comment: In summary, the currently available evidence indicates that the variant is pathogenic, but additional data are needed to prove that conclusively. Therefore, this variant has been classified as Likely Pathogenic. Algorithms developed to predict the effect of sequence changes on RNA splicing suggest that this variant may disrupt the consensus splice site. This variant has not been reported in the literature in individuals affected with MYO7A-related conditions. This variant is not present in population databases (gnomAD no frequency). This sequence change affects a donor splice site in intron 27 of the MYO7A gene. It is expected to disrupt RNA splicing. Variants that disrupt the donor or acceptor splice site typically lead to a loss of protein function (PMID: 16199547), and loss-of-function variants in MYO7A are known to be pathogenic (PMID: 8900236, 25404053).

Literature cited by the submitters: PubMed 16199547 (cited by Labcorp Genetics (formerly Invitae), Labcorp); PubMed 8900236 (cited by Labcorp Genetics (formerly Invitae), Labcorp); PubMed 25404053 (cited by Labcorp Genetics (formerly Invitae), Labcorp).